The following is an entry in ClinVar:

NM_022787.4(NMNAT1):c.13G>A (p.Glu5Lys)

Gene: NMNAT1 (nicotinamide nucleotide adenylyltransferase 1; plus strand). Cytogenetic location: 1p36.22.
Variant type: single nucleotide variant.
Coding change: c.13G>A on transcript NM_022787.4 (MANE Select); coding-DNA position 13, G replaced by A.
Protein change: p.Glu5Lys; replaces glutamic acid 5 with lysine.
Molecular consequence: missense variant.
Genome position (GRCh38, 1-based): chr1:9,972,086, G>A. VCF-style: chr1-9972086-G-A. GRCh37 (hg19) VCF-style: chr1-10032144-G-A.
Other names: c.13G>A, p.Glu5Lys (NM_001297778.1, NM_001297779.2); short protein forms E5K.
Identifiers: ClinVar variation 966992 (VCV000966992.8), dbSNP rs747825699, ClinGen allele CA579118.

ClinVar aggregate classification (germline): Uncertain significance. Review status: criteria provided, multiple submitters, no conflicts (2 of 4 stars). 2 submissions from 2 submitters: Uncertain significance (2). Last evaluated 2024-09-18.

Conditions:
Leber congenital amaurosis 9 (LCA9). Also called: LCA 9; Amaurosis congenita of Leber, type 9; LCA9 Leber Congenital Amaurosis. Identifiers: Orphanet 65, MedGen C1837873, MONDO:0012056, OMIM 608553.

Allele frequency attached by ClinVar (database versions not stated): ExAC 0.00001; gnomAD 0.00002 and 0.00003; gnomAD exomes 0.00002; TOPMed 0.00002.
gnomAD v4.1: 35 of 1,600,554 alleles (0.0022%); highest among the groups gnomAD compares: Admixed American, 0.01%; no homozygotes.

Submissions (2):

Blueprint Genetics
Classification: Uncertain significance. Last evaluated: 2024-09-18. Review status: criteria provided, single submitter. Criteria: ACMG Guidelines, 2015. Collection method: clinical testing. Allele origin: germline.

Labcorp Genetics (formerly Invitae), Labcorp
Classification: Uncertain significance for Leber congenital amaurosis 9. Last evaluated: 2022-10-13. Review status: criteria provided, single submitter. Criteria: Invitae Variant Classification Sherloc (09022015). Collection method: clinical testing. Allele origin: germline.
Comment: This sequence change replaces glutamic acid, which is acidic and polar, with lysine, which is basic and polar, at codon 5 of the NMNAT1 protein (p.Glu5Lys). This variant is present in population databases (rs747825699, gnomAD 0.007%). This variant has not been reported in the literature in individuals affected with NMNAT1-related conditions. ClinVar contains an entry for this variant (Variation ID: 966992). Algorithms developed to predict the effect of missense changes on protein structure and function output the following: SIFT: "Tolerated"; PolyPhen-2: "Benign"; Align-GVGD: "Class C0". The lysine amino acid residue is found in multiple mammalian species, which suggests that this missense change does not adversely affect protein function. In summary, the available evidence is currently insufficient to determine the role of this variant in disease. Therefore, it has been classified as a Variant of Uncertain Significance.